The following is an entry in ClinVar:

ClinVar aggregate classification (germline): Benign/Likely benign. Review status: criteria provided, multiple submitters, no conflicts (2 of 4 stars). 3 submissions from 3 submitters: Benign (1); Likely benign (2). Last evaluated 2025-03-22.

Allele frequency attached by ClinVar (database versions not stated): 1000 Genomes Project 0.01418; gnomAD 0.01501 and 0.01417; ESP Exome Variant Server 0.01507; TOPMed 0.01654; gnomAD exomes 0.00630; ExAC 0.00642; 1000 Genomes Project 30x 0.01546.
gnomAD v4.1: 8,995 of 1,591,340 alleles (0.57%); highest among the groups gnomAD compares: African/African-American, 3.8%; 82 homozygotes.

Submissions (3):

Mayo Clinic Laboratories, Mayo Clinic
Classification: Benign. Last evaluated: 2025-03-22. Review status: criteria provided, single submitter. Criteria: ACMG Guidelines, 2015. Collection method: clinical testing. Allele origin: germline. Observed: 16 variant alleles.

GeneDx
Classification: Likely benign. Last evaluated: 2018-06-16. Review status: criteria provided, single submitter. Criteria: GeneDx Variant Classification (06012015). Collection method: clinical testing. Allele origin: germline. Affected: yes.
Comment: This variant is considered likely benign or benign based on one or more of the following criteria: it is a conservative change, it occurs at a poorly conserved position in the protein, it is predicted to be benign by multiple in silico algorithms, and/or has population frequency not consistent with disease.

Breakthrough Genomics
Classification: Likely benign. Review status: criteria provided, single submitter. Criteria: ACMG Guidelines, 2015. Collection method: not provided. Allele origin: germline. Inheritance: Autosomal recessive inheritance. Affected: yes.

NM_016356.5(DCDC2):c.1023+28G>C

Gene: DCDC2 (doublecortin domain containing 2; minus strand). Cytogenetic location: 6p22.3.
Variant type: single nucleotide variant.
Coding change: c.1023+28G>C on transcript NM_016356.5 (MANE Select); 28 bases into the intron after coding-DNA position 1023, G replaced by C.
Molecular consequence: intron variant.
Genome position (GRCh38, 1-based): chr6:24,204,974, C>G on the plus strand (G>C on the coding strand, the complement: DCDC2 is on the minus strand). VCF-style: chr6-24204974-C-G. GRCh37 (hg19) VCF-style: chr6-24205202-C-G.
Other names: p.?; c.1023+28G>C (NM_001195610.2).
Identifiers: ClinVar variation 682718 (VCV000682718.3), dbSNP rs78262046, ClinGen allele CA3654539.